The following is an entry in ClinVar:

NM_000540.3(RYR1):c.8584C>G (p.Leu2862Val)

Genes: RYR1 (ryanodine receptor 1; plus strand), LOC126862902 (BRD4-independent group 4 enhancer GRCh37_chr19:38995830-38997029; plus strand). Cytogenetic location: 19q13.2.
Variant type: single nucleotide variant.
Coding change: c.8584C>G on transcript NM_000540.3 (MANE Select); coding-DNA position 8584, C replaced by G.
Protein change: p.Leu2862Val; replaces leucine 2862 with valine.
Molecular consequence: missense variant.
Genome position (GRCh38, 1-based): chr19:38,506,345, C>G. VCF-style: chr19-38506345-C-G. GRCh37 (hg19) VCF-style: chr19-38996985-C-G.
Other names: c.8584C>G, p.Leu2862Val (NM_001042723.2); short protein forms L2862V.
Identifiers: ClinVar variation 3073774 (VCV003073774.1), dbSNP rs2514365977, ClinGen allele CA405679364.

ClinVar aggregate classification (germline): Uncertain significance (1 of 4 stars; one submission).

Conditions:
Malignant hyperthermia, susceptibility to, 1 (MHS1). Also called: Anesthesia related hyperthermia; Malignant hyperpyrexia; Fulminating hyperpyrexia; Pharmacogenic myopathy; RYR1-Related Malignant Hyperthermia Susceptibility; Malignant hyperthermia suceptibility 1. Identifiers: Orphanet 423, MedGen C2930980, MONDO:0007783, OMIM 145600.

Submission:

All of Us Research Program, National Institutes of Health
Classification: Uncertain significance for Malignant hyperthermia, susceptibility to, 1. Last evaluated: 2023-10-06. Review status: criteria provided, single submitter. Criteria: ACMG Guidelines, 2015. Collection method: clinical testing. Allele origin: germline. Inheritance: Autosomal dominant inheritance. Observed: 1 variant allele, 1 heterozygote.
Comment: This missense variant replaces leucine with valine at codon 2862 of the RYR1 protein. Computational prediction suggests that this variant may not impact protein structure and function (internally defined REVEL score threshold <= 0.5, PMID: 27666373). To our knowledge, functional studies have not been reported for this variant. This variant has not been reported in individuals affected with RYR1-related disorders in the literature. This variant has not been identified in the general population by the Genome Aggregation Database (gnomAD). The available evidence is insufficient to determine the role of this variant in disease conclusively. Therefore, this variant is classified as a Variant of Uncertain Significance.

This study involves interpretation of variants in research participants for the purpose of population health screening. Participant phenotype was not available at the time of variant classification. Additional details can be found in publication PMID: 35346344, PMCID: PMC8962531